The following is an entry in ClinVar:

ClinVar aggregate classification (germline): Conflicting classifications of pathogenicity. Review status: criteria provided, conflicting classifications (1 of 4 stars). 8 submissions from 8 submitters: Likely pathogenic (1); Uncertain significance (5). 2 of the submissions do not count toward it. Last evaluated 2026-07-02.

Conditions:
Aortic aneurysm, familial thoracic 7 (AAT7). Also called: AORTIC DISSECTION, FAMILIAL, WITH OR WITHOUT AORTIC ANEURYSM. Identifiers: MedGen C3151077, MONDO:0013418, OMIM 613780.
Familial thoracic aortic aneurysm and aortic dissection (TAAD). Also called: Thoracic aortic aneurysms and dissections. Identifiers: Orphanet 91387, MedGen C4707243, MONDO:0019625.
MYLK-related disorder. Also called: MYLK-related condition.

Allele frequency attached by ClinVar (database versions not stated): gnomAD exomes 0.00005 and 0.00004; TOPMed 0.00003; ExAC 0.00006; gnomAD 0.00006.
gnomAD v4.1: 64 of 1,614,114 alleles (0.004%); highest among the groups gnomAD compares: Middle Eastern, 0.12%; no homozygotes.

Submissions (8):

Ambry Genetics
Classification: Uncertain significance for Familial thoracic aortic aneurysm and aortic dissection. Last evaluated: 2026-07-02. Review status: criteria provided, single submitter. Criteria: Ambry Variant Classification Scheme 2023. Collection method: clinical testing. Allele origin: germline.
Comment: The p.V1522A variant (also known as c.4565T>C), located in coding exon 24 of the MYLK gene, results from a T to C substitution at nucleotide position 4565. The valine at codon 1522 is replaced by alanine, an amino acid with similar properties. This alteration was detected in a cohort of individuals with familial or early onset aortic aneurysms/dissections or signs of generalized connective tissue disorders. Authors noted that it segregated with disease in at least one family member; however, no specific details were provided (Overwater E et al. Hum. Mutat., 2018 09;39:1173-1192). This amino acid position is highly conserved in available vertebrate species. In addition, this alteration is predicted to be deleterious by in silico analysis. Since supporting evidence is limited at this time, the clinical significance of this alteration remains unclear.

Labcorp Genetics (formerly Invitae), Labcorp
Classification: Likely pathogenic for Aortic aneurysm, familial thoracic 7. Last evaluated: 2026-02-01. Review status: criteria provided, single submitter. Criteria: Invitae Variant Classification Sherloc (09022015). Collection method: clinical testing. Allele origin: germline.
Comment: This sequence change replaces valine, which is neutral and non-polar, with alanine, which is neutral and non-polar, at codon 1522 of the MYLK protein (p.Val1522Ala). This variant is present in population databases (rs763880352, gnomAD 0.009%). This missense change has been observed in individuals with aortic aneurysm (PMID: 29907982; internal data). It has also been observed to segregate with disease in related individuals. ClinVar contains an entry for this variant (Variation ID: 409680). Invitae Evidence Modeling of protein sequence and biophysical properties (such as structural, functional, and spatial information, amino acid conservation, physicochemical variation, residue mobility, and thermodynamic stability) has been performed for this missense variant. However, the output from this modeling did not meet the statistical confidence thresholds required to predict the impact of this variant on MYLK protein function. In summary, the currently available evidence indicates that the variant is pathogenic, but additional data are needed to prove that conclusively. Therefore, this variant has been classified as Likely Pathogenic.

GeneDx
Classification: Uncertain significance. Last evaluated: 2025-11-08. Review status: criteria provided, single submitter. Criteria: GeneDx Variant Classification Process June 2021. Collection method: clinical testing. Allele origin: germline. Affected: yes.
Comment: In silico analysis supports that this missense variant has a deleterious effect on protein structure/function; This variant is associated with the following publications: (PMID: 29907982)

PreventionGenetics, part of Exact Sciences
Classification: Uncertain significance for MYLK-related condition. Last evaluated: 2023-04-14. Review status: criteria provided, single submitter. Criteria: ACMG Guidelines, 2015. Collection method: clinical testing. Allele origin: germline.
Comment: The MYLK c.4565T>C variant is predicted to result in the amino acid substitution p.Val1522Ala. This variant was reported in an individual with a suspected heritable thoracic aortic disorder (Table S1, Patient ID 122, Overwater et al. 2018. PubMed ID: 29907982). This variant is reported in 0.010% of alleles in individuals of European (Non-Finnish) descent in gnomAD. At this time, the clinical significance of this variant is uncertain due to the absence of conclusive functional and genetic evidence.

CHEO Genetics Diagnostic Laboratory, Children's Hospital of Eastern Ontario
Classification: Uncertain significance for Familial thoracic aortic aneurysm and aortic dissection. Last evaluated: 2022-11-17. Review status: criteria provided, single submitter. Criteria: ACMG Guidelines, 2015. Collection method: clinical testing. Allele origin: germline. Study: Canadian Open Genetics Repository.

ARUP Laboratories, Molecular Genetics and Genomics, ARUP Laboratories
Classification: Uncertain significance. Last evaluated: 2018-01-23. Review status: criteria provided, single submitter. Criteria: ARUP Molecular Germline Variant Investigation Process. Collection method: clinical testing. Allele origin: germline.
Comment: The MYLK c.4565T>C; p.Val1522Ala variant (rs763880352), to our knowledge, is not reported in the medical literature, gene specific variation databases, nor has it been previously identified by our laboratory. This variant is listed in the genome Aggregation Database (gnomAD) with an overall population frequency of 0.004% (identified on 12 out of 277,196 chromosomes) and is classified as a variant of uncertain significance in ClinVar (ID: 409680). The valine at position 1522 is highly conserved, considering 12 species, and computational analyses of the effects of the p.Val1522Ala variant on protein structure and function predict a deleterious effect (SIFT: damaging, MutationTaster: disease causing, PolyPhen-2: possibly damaging). Based on the available information, the clinical significance of the p.Val1522Ala variant cannot be determined with certainty.

Genome Diagnostics Laboratory, Amsterdam University Medical Center
Classification: Uncertain significance. Review status: no assertion criteria provided. Collection method: clinical testing. Allele origin: germline. Affected: yes. Study: VKGL Data-share Consensus. Not counted in ClinVar's aggregate classification.

Genome Diagnostics Laboratory, University Medical Center Utrecht
Classification: Uncertain significance. Review status: no assertion criteria provided. Collection method: clinical testing. Allele origin: germline. Affected: yes. Study: VKGL Data-share Consensus. Not counted in ClinVar's aggregate classification.

Literature cited by the submitters: PubMed 29907982 (cited by Ambry Genetics and Labcorp Genetics (formerly Invitae), Labcorp).

NM_053025.4(MYLK):c.4565T>C (p.Val1522Ala)

Gene: MYLK (myosin light chain kinase; minus strand). Cytogenetic location: 3q21.1.
Variant type: single nucleotide variant.
Coding change: c.4565T>C on transcript NM_053025.4 (MANE Select); coding-DNA position 4565, T replaced by C.
Protein change: p.Val1522Ala; replaces valine 1522 with alanine.
Molecular consequence: missense variant.
Genome position (GRCh38, 1-based): chr3:123,647,278, A>G on the plus strand (T>C on the coding strand, the complement: MYLK is on the minus strand). VCF-style: chr3-123647278-A-G. GRCh37 (hg19) VCF-style: chr3-123366125-A-G.
Other names: c.4037T>C, p.Val1346Ala (NM_001321309.2); c.4358T>C, p.Val1453Ala (NM_053026.4, NM_053028.4); c.4565T>C, p.Val1522Ala (NM_053027.4); short protein forms V1522A, V1453A, V1346A.
Identifiers: ClinVar variation 409680 (VCV000409680.32), dbSNP rs763880352, ClinGen allele CA071816.